The following is an entry in ClinVar:

ClinVar aggregate classification (germline): Likely benign (1 of 4 stars; one submission).

Conditions:
Bilateral frontoparietal polymicrogyria. Also called: CEREBELLAR ATAXIA WITH NEURONAL MIGRATION DEFECT; CORTICAL DYSPLASIA, COMPLEX, WITH OTHER BRAIN MALFORMATIONS 14A (BILATERAL FRONTOPARIETAL). Identifiers: Orphanet 101070, MedGen C1847352, MONDO:0011738, OMIM 606854.

Allele frequency attached by ClinVar (database versions not stated): 1000 Genomes Project 0.00060; gnomAD 0.00062 and 0.00063; TOPMed 0.00070; gnomAD exomes 0.00079; 1000 Genomes Project 30x 0.00109.
gnomAD v4.1: 513 of 659,334 alleles (0.078%); highest among the groups gnomAD compares: Middle Eastern, 0.62%; 1 homozygote.

Submission:

Illumina Laboratory Services, Illumina
Classification: Likely benign for Bilateral frontoparietal polymicrogyria. Last evaluated: 2018-01-12. Review status: criteria provided, single submitter. Criteria: ICSL Variant Classification Criteria 13 December 2019. Collection method: clinical testing. Allele origin: germline.
Comment: This variant was observed in the ICSL laboratory as part of a predisposition screen in an ostensibly healthy population. It had not been previously curated by ICSL or reported in the Human Gene Mutation Database (HGMD: prior to June 1st, 2018), and was therefore a candidate for classification through an automated scoring system. Utilizing variant allele frequency, disease prevalence and penetrance estimates, and inheritance mode, an automated score was calculated to assess if this variant is too frequent to cause the disease. Based on the score and internal cut-off values, a variant classified as likely benign is not then subjected to further curation. The score for this variant resulted in a classification of likely benign for this disease.

NM_201525.4(ADGRG1):c.*189G>T

Gene: ADGRG1 (adhesion G protein-coupled receptor G1; plus strand). Cytogenetic location: 16q21.
Variant type: single nucleotide variant.
Coding change: c.*189G>T on transcript NM_201525.4 (MANE Select); 189 bases downstream of the stop codon, G replaced by T.
Molecular consequence: 3 prime UTR variant.
Genome position (GRCh38, 1-based): chr16:57,663,771, G>T. VCF-style: chr16-57663771-G-T. GRCh37 (hg19) VCF-style: chr16-57697683-G-T.
Other names: c.*189G>T (NM_001145770.3, NM_001145771.3, NM_001145772.3 and 25 more transcripts).
Identifiers: ClinVar variation 885905 (VCV000885905.4), dbSNP rs184796447, ClinGen allele CA281584069.